The following is an entry in ClinVar:

ClinVar aggregate classification (germline): Uncertain significance. Review status: criteria provided, multiple submitters, no conflicts (2 of 4 stars). 2 submissions from 2 submitters: Uncertain significance (2). Last evaluated 2025-12-01.

Conditions:
Holoprosencephaly 9 (HPE9). Also called: HOLOPROSENCEPHALY WITH MICROPHTHALMIA AND FIRST BRANCHIAL ARCH ANOMALIES; PITUITARY ANOMALIES WITH HOLOPROSENCEPHALY-LIKE FEATURES. Identifiers: Orphanet 2162, MedGen C1835819, MONDO:0012563, OMIM 610829.
Postaxial polydactyly-anterior pituitary anomalies-facial dysmorphism syndrome. Also called: Culler-Jones syndrome. Identifiers: Orphanet 420584, MedGen C4014479, MONDO:0014369, OMIM 615849.

Allele frequency attached by ClinVar (database versions not stated): gnomAD 0.00003; TOPMed 0.00004.
gnomAD v4.1: 49 of 1,599,912 alleles (0.0031%); highest among the groups gnomAD compares: African/African-American, 0.012%; no homozygotes.

Submissions (2):

Labcorp Genetics (formerly Invitae), Labcorp
Classification: Uncertain significance for Postaxial polydactyly-anterior pituitary anomalies-facial dysmorphism syndrome; Holoprosencephaly 9. Last evaluated: 2025-12-01. Review status: criteria provided, single submitter. Criteria: Invitae Variant Classification Sherloc (09022015). Collection method: clinical testing. Allele origin: germline.
Comment: This sequence change replaces arginine, which is basic and polar, with histidine, which is basic and polar, at codon 1384 of the GLI2 protein (p.Arg1384His). The frequency data for this variant in the population databases is considered unreliable, as metrics indicate poor data quality at this position in the gnomAD database. This variant has not been reported in the literature in individuals affected with GLI2-related conditions. ClinVar contains an entry for this variant (Variation ID: 194226). Invitae Evidence Modeling of protein sequence and biophysical properties (such as structural, functional, and spatial information, amino acid conservation, physicochemical variation, residue mobility, and thermodynamic stability) indicates that this missense variant is not expected to disrupt GLI2 protein function with a negative predictive value of 80%. In summary, the available evidence is currently insufficient to determine the role of this variant in disease. Therefore, it has been classified as a Variant of Uncertain Significance.

Eurofins Ntd Llc (ga)
Classification: Uncertain significance. Last evaluated: 2015-05-06. Review status: criteria provided, single submitter. Criteria: EGL Classification Definitions 2015. Collection method: clinical testing. Allele origin: germline. Observed: 1 variant allele, 1 heterozygote.

NM_001374353.1(GLI2):c.4100G>A (p.Arg1367His)

Gene: GLI2 (GLI family zinc finger 2; plus strand). Cytogenetic location: 2q14.2.
Variant type: single nucleotide variant.
Coding change: c.4100G>A on transcript NM_001374353.1 (MANE Select); coding-DNA position 4100, G replaced by A.
Protein change: p.Arg1367His; replaces arginine 1367 with histidine.
Molecular consequence: missense variant.
Genome position (GRCh38, 1-based): chr2:120,990,065, G>A. VCF-style: chr2-120990065-G-A. GRCh37 (hg19) VCF-style: chr2-121747641-G-A.
Other names: c.4151G>A, p.Arg1384His (NM_001371271.1, NM_005270.5); c.3725G>A, p.Arg1242His (NM_001374354.1); short protein forms R1384H, R1367H, R1242H.
Identifiers: ClinVar variation 194226 (VCV000194226.6), dbSNP rs763852684, ClinGen allele CA240088.